The following is an entry in ClinVar:

NM_032043.3(BRIP1):c.918del (p.Asn306fs)

Gene: BRIP1 (BRCA1 interacting DNA helicase 1; minus strand). Cytogenetic location: 17q23.2.
Variant type: Deletion.
Coding change: c.918del on transcript NM_032043.3 (MANE Select); coding-DNA position 918, one base deleted (C; older notation c.918delC).
Protein change: p.Asn306fs; shifts the reading frame from asparagine 306.
Molecular consequence: frameshift variant.
Genome position (GRCh38, 1-based): chr17:61,808,467, G deleted on the plus strand (C on the coding strand, the reverse complement: BRIP1 is on the minus strand). VCF-style (leftmost placement, unchanged base first): chr17-61808466-CG-C. GRCh37 (hg19) VCF-style: chr17-59885827-CG-C.
Other names: c.918delC (NM_032043.2); short protein forms N306fs.
Identifiers: ClinVar variation 530339 (VCV000530339.9), dbSNP rs1555609116, ClinGen allele CA658798944.
Genomic context (GRCh38, chr17:61,808,466, plus strand): 5'-ACTGAGTAATTTAAATATTTTCAGCCTTATTTTTTCTCTAACACAAAATAACTTTACTCA[CG>C]TTTTTCCCATCTAGCAATTCCATGCACTTCTCATTTCTGTTGAAGTTACCGACTACCTCA-3'

ClinVar aggregate classification (germline): Pathogenic. Review status: criteria provided, multiple submitters, no conflicts (2 of 4 stars). 2 submissions from 2 submitters: Pathogenic (2). Last evaluated 2023-06-01.

Conditions:
Fanconi anemia complementation group J. Also called: BRIP1-Related Fanconi Anemia. Identifiers: Orphanet 84, MedGen C1836860, MONDO:0012187, OMIM 609054.
Familial cancer of breast. Also called: BREAST CANCER, FAMILIAL; hereditary breast carcinoma; Hereditary breast cancer. Identifiers: Orphanet 227535, MedGen C0346153, MONDO:0016419, OMIM 114480. Disease mechanism: loss of function.

Submissions (2):

Myriad Genetics, Inc.
Classification: Pathogenic for Familial cancer of breast. Last evaluated: 2023-06-01. Review status: criteria provided, single submitter. Criteria: Myriad Autosomal Dominant, Autosomal Recessive and X-Linked Classification Criteria (2023). Collection method: clinical testing. Allele origin: unknown.
Comment: This variant is considered pathogenic. This variant creates a frameshift predicted to result in premature protein truncation.

Labcorp Genetics (formerly Invitae), Labcorp
Classification: Pathogenic for Familial cancer of breast; Fanconi anemia complementation group J. Last evaluated: 2020-10-05. Review status: criteria provided, single submitter. Criteria: Invitae Variant Classification Sherloc (09022015). Collection method: clinical testing. Allele origin: germline.
Comment: This sequence change creates a premature translational stop signal (p.Asn306Lysfs*32) in the BRIP1 gene. It is expected to result in an absent or disrupted protein product. This variant is not present in population databases (ExAC no frequency). This variant has not been reported in the literature in individuals with BRIP1-related conditions. ClinVar contains an entry for this variant (Variation ID: 530339). Algorithms developed to predict the effect of sequence changes on RNA splicing suggest that this variant may disrupt the consensus splice site, but this prediction has not been confirmed by published transcriptional studies. Loss-of-function variants in BRIP1 are known to be pathogenic (PMID: 16116423, 17033622, 21964575). For these reasons, this variant has been classified as Pathogenic.

Literature cited by the submitters: PubMed 16116423 (cited by Labcorp Genetics (formerly Invitae), Labcorp); PubMed 17033622 (cited by Labcorp Genetics (formerly Invitae), Labcorp); PubMed 21964575 (cited by Labcorp Genetics (formerly Invitae), Labcorp).